The following is an entry in ClinVar:

ClinVar aggregate classification (germline): Uncertain significance (1 of 4 stars; one submission).

Conditions:
Autosomal recessive limb-girdle muscular dystrophy type 2J (LGMDR10). Also called: Limb-girdle muscular dystrophy, type 2J; MUSCULAR DYSTROPHY, LIMB-GIRDLE, AUTOSOMAL RECESSIVE 10. Identifiers: Orphanet 140922, MedGen C1837342, MONDO:0012127, OMIM 608807.
Dilated cardiomyopathy 1G (CMD1G). Identifiers: Orphanet 154, MedGen C1858763, MONDO:0011400, OMIM 604145.

gnomAD v4.1: 2 of 1,613,802 alleles (0.00012%); highest among the groups gnomAD compares: Non-Finnish European, 0.00017%; no homozygotes.

Submission:

Labcorp Genetics (formerly Invitae), Labcorp
Classification: Uncertain significance for Dilated cardiomyopathy 1G; Autosomal recessive limb-girdle muscular dystrophy type 2J. Last evaluated: 2025-12-23. Review status: criteria provided, single submitter. Criteria: Invitae Variant Classification Sherloc (09022015). Collection method: clinical testing. Allele origin: germline.
Comment: This sequence change replaces serine, which is neutral and polar, with alanine, which is neutral and non-polar, at codon 34112 of the TTN protein (p.Ser34112Ala). This variant is not present in population databases (gnomAD no frequency). This variant has not been reported in the literature in individuals affected with TTN-related conditions. Experimental studies and prediction algorithms are not available or were not evaluated, and the functional significance of this variant is currently unknown. This variant is located in the M band of TTN (PMID: 25589632). Non-truncating variants in this region may be relevant for neuromuscular disorders, but have not been definitively shown to cause cardiomyopathy (PMID: 23975875). In summary, the available evidence is currently insufficient to determine the role of this variant in disease. Therefore, it has been classified as a Variant of Uncertain Significance.

Literature cited by the submitters: PubMed 25589632; PubMed 23975875.

NM_001267550.2(TTN):c.102334T>G (p.Ser34112Ala)

Genes: TTN-AS1 (TTN antisense RNA 1; plus strand), TTN (titin; minus strand). Cytogenetic location: 2q31.2.
Variant type: single nucleotide variant.
Coding change: c.102334T>G on transcript NM_001267550.2 (MANE Select); coding-DNA position 102334, T replaced by G.
Protein change: p.Ser34112Ala; replaces serine 34112 with alanine.
Molecular consequence: missense variant.
Genome position (GRCh38, 1-based): chr2:178,534,281, A>C on the plus strand (T>G on the coding strand, the complement: TTN is on the minus strand). VCF-style: chr2-178534281-A-C. GRCh37 (hg19) VCF-style: chr2-179399008-A-C.
Other names: c.97411T>G, p.Ser32471Ala (NM_001256850.1); c.75139T>G, p.Ser25047Ala (NM_003319.4); c.94630T>G, p.Ser31544Ala (NM_133378.4); c.75514T>G, p.Ser25172Ala (NM_133432.3); c.75715T>G, p.Ser25239Ala (NM_133437.4); short protein forms S25047A, S25172A, S32471A, S25239A, S31544A, S34112A.
Identifiers: ClinVar variation 4791888 (VCV004791888.1).